The following is an entry in ClinVar:

NM_001042681.2(RERE):c.3376C>T (p.His1126Tyr)

Gene: RERE (arginine-glutamic acid dipeptide repeats; minus strand). Cytogenetic location: 1p36.23.
Variant type: single nucleotide variant.
Coding change: c.3376C>T on transcript NM_001042681.2 (MANE Select); coding-DNA position 3376, C replaced by T.
Protein change: p.His1126Tyr; replaces histidine 1126 with tyrosine.
Molecular consequence: missense variant.
Genome position (GRCh38, 1-based): chr1:8,360,131, G>A on the plus strand (C>T on the coding strand, the complement: RERE is on the minus strand). VCF-style: chr1-8360131-G-A. GRCh37 (hg19) VCF-style: chr1-8420191-G-A.
Other names: c.1714C>T, p.His572Tyr (NM_001042682.2); c.3376C>T, p.His1126Tyr (NM_012102.4); short protein forms H1126Y, H572Y.
Identifiers: ClinVar variation 2629693 (VCV002629693.1), dbSNP rs2522709839, ClinGen allele CA338170723.

ClinVar aggregate classification (germline): Uncertain significance (1 of 4 stars; one submission).

Conditions:
RERE-related disorder. Also called: RERE-Related Disorders; RERE-related condition. Identifiers: MedGen CN381537.

Submission:

PreventionGenetics, part of Exact Sciences
Classification: Uncertain significance for RERE-related condition. Last evaluated: 2023-01-05. Review status: criteria provided, single submitter. Criteria: ACMG Guidelines, 2015. Collection method: clinical testing. Allele origin: germline.
Comment: The RERE c.3376C>T variant is predicted to result in the amino acid substitution p.His1126Tyr. To our knowledge, this variant has not been reported in the literature or in a large population database, indicating this variant is rare. At this time, the clinical significance of this variant is uncertain due to the absence of conclusive functional and genetic evidence.